The following is an entry in ClinVar:

ClinVar aggregate classification (germline): Likely pathogenic (1 of 4 stars; one submission).

Conditions:
Mucopolysaccharidosis type 1. Also called: Mucopolysaccharidosis Type I; IDUA deficiency; MPS I. Identifiers: Orphanet 579, MedGen C0023786, MONDO:0001586.

Submission:

Labcorp Genetics (formerly Invitae), Labcorp
Classification: Likely pathogenic for Mucopolysaccharidosis type 1. Last evaluated: 2020-08-23. Review status: criteria provided, single submitter. Criteria: Invitae Variant Classification Sherloc (09022015). Collection method: clinical testing. Allele origin: germline.
Comment: In summary, the currently available evidence indicates that the variant is pathogenic, but additional data are needed to prove that conclusively. Therefore, this variant has been classified as Likely Pathogenic. Donor and acceptor splice site variants typically lead to a loss of protein function (PMID: 16199547), and loss-of-function variants in IDUA are known to be pathogenic (PMID: 11735025, 21480867). Algorithms developed to predict the effect of sequence changes on RNA splicing suggest that this variant may disrupt the consensus splice site, but this prediction has not been confirmed by published transcriptional studies. This variant has not been reported in the literature in individuals with IDUA-related conditions. This variant is not present in population databases (ExAC no frequency). This sequence change affects an acceptor splice site in intron 1 of the IDUA gene. It is expected to disrupt RNA splicing and likely results in an absent or disrupted protein product.

Literature cited by the submitters: PubMed 16199547; PubMed 11735025; PubMed 21480867.

NM_000203.5(IDUA):c.159-2A>C

Genes: SLC26A1 (solute carrier family 26 member 1; minus strand), IDUA (alpha-L-iduronidase; plus strand). Cytogenetic location: 4p16.3.
Variant type: single nucleotide variant.
Coding change: c.159-2A>C on transcript NM_000203.5 (MANE Select); the canonical splice acceptor site of the intron before coding-DNA position 159, A replaced by C.
Molecular consequence: splice acceptor variant. On other transcripts: 3 prime UTR variant (2), intron variant (1).
Genome position (GRCh38, 1-based): chr4:987,807, A>C. VCF-style: chr4-987807-A-C. GRCh37 (hg19) VCF-style: chr4-981595-A-C.
Other names: c.*1026T>G (NM_022042.4, NM_213613.4); c.576+3321T>G (NM_134425.4).
Identifiers: ClinVar variation 1067327 (VCV001067327.7), dbSNP rs2153015588, ClinGen allele CA355945951.